The following is an entry in ClinVar:

ClinVar aggregate classification (germline): Uncertain significance (1 of 4 stars; one submission).

Allele frequency attached by ClinVar (database versions not stated): gnomAD exomes below 0.00001.
gnomAD v4.1: 2 of 1,614,116 alleles (0.00012%); highest among the groups gnomAD compares: Non-Finnish European, 0.00017%; no homozygotes.

Submission:

Labcorp Genetics (formerly Invitae), Labcorp
Classification: Uncertain significance. Last evaluated: 2022-03-10. Review status: criteria provided, single submitter. Criteria: Invitae Variant Classification Sherloc (09022015). Collection method: clinical testing. Allele origin: germline.
Comment: This sequence change replaces arginine, which is basic and polar, with serine, which is neutral and polar, at codon 4480 of the LRP2 protein (p.Arg4480Ser). This variant is present in population databases (no rsID available, gnomAD 0.0009%). This variant has not been reported in the literature in individuals affected with LRP2-related conditions. Advanced modeling of protein sequence and biophysical properties (such as structural, functional, and spatial information, amino acid conservation, physicochemical variation, residue mobility, and thermodynamic stability) performed at Invitae indicates that this missense variant is not expected to disrupt LRP2 protein function. In summary, the available evidence is currently insufficient to determine the role of this variant in disease. Therefore, it has been classified as a Variant of Uncertain Significance.

NM_004525.3(LRP2):c.13440A>T (p.Arg4480Ser)

Gene: LRP2 (LDL receptor related protein 2; minus strand). Cytogenetic location: 2q31.1.
Variant type: single nucleotide variant.
Coding change: c.13440A>T on transcript NM_004525.3 (MANE Select); coding-DNA position 13440, A replaced by T.
Protein change: p.Arg4480Ser; replaces arginine 4480 with serine.
Molecular consequence: missense variant.
Genome position (GRCh38, 1-based): chr2:169,138,655, T>A on the plus strand (A>T on the coding strand, the complement: LRP2 is on the minus strand). VCF-style: chr2-169138655-T-A. GRCh37 (hg19) VCF-style: chr2-169995165-T-A.
Other names: short protein forms R4480S.
Identifiers: ClinVar variation 1397707 (VCV001397707.7), dbSNP rs1268085928, ClinGen allele CA349155060.
Genomic context (GRCh38, chr2:169,138,655, plus strand): 5'-AATAGCAGTCTCAGGTCCAAAACCAGACACTCCAATATCCATGTTAAGATCTGCCCCTGA[T>A]CTGAAGGTCACCCCATTCCCATTTTCAGAGGGCTTGACGAGACTGCTTAAGCTGGAAAGA-3'
Protein context (NP_004516.2, residues 4470-4490): PSENGNGVTF[Arg4480Ser]SGADLNMDIG